The following is an entry in ClinVar:

ClinVar aggregate classification (germline): Benign/Likely benign. Review status: criteria provided, multiple submitters, no conflicts (2 of 4 stars). 5 submissions from 5 submitters: Benign (2); Likely benign (2). 1 of the submissions does not count toward it. Last evaluated 2026-01-28.

Conditions:
F11-related disorder. Also called: F11-related condition.
Hereditary factor XI deficiency disease. Also called: PLASMA THROMBOPLASTIN ANTECEDENT DEFICIENCY; PTA DEFICIENCY; ROSENTHAL SYNDROME; Congenital factor XI deficiency. Identifiers: Orphanet 329, MedGen C0015523, MeSH D005173, MONDO:0012897, OMIM 612416.

Allele frequency attached by ClinVar (database versions not stated): gnomAD exomes 0.00061 and 0.00154; ExAC 0.00183; gnomAD 0.00559 and 0.00586; ESP Exome Variant Server 0.00584; TOPMed 0.00646; 1000 Genomes Project 0.01018; 1000 Genomes Project 30x 0.01218.
gnomAD v4.1: 1,780 of 1,614,182 alleles (0.11%); highest among the groups gnomAD compares: African/African-American, 2%; 19 homozygotes.

Submissions (5):

Labcorp Genetics (formerly Invitae), Labcorp
Classification: Benign. Last evaluated: 2026-01-28. Review status: criteria provided, single submitter. Criteria: Invitae Variant Classification Sherloc (09022015). Collection method: clinical testing. Allele origin: germline.

Mayo Clinic Laboratories, Mayo Clinic
Classification: Benign. Last evaluated: 2024-03-20. Review status: criteria provided, single submitter. Criteria: ACMG Guidelines, 2015. Collection method: clinical testing. Allele origin: germline. Observed: 2 variant alleles.
Comment: BS1, BS2, BS3_supporting, BP4, PM1_supporting

Illumina Laboratory Services, Illumina
Classification: Likely benign for Hereditary factor XI deficiency disease. Last evaluated: 2017-04-27. Review status: criteria provided, single submitter. Criteria: ICSL Variant Classification Criteria 13 December 2019. Collection method: clinical testing. Allele origin: germline.
Comment: This variant was observed as part of a predisposition screen in an ostensibly healthy population. A literature search was performed for the gene, cDNA change, and amino acid change (where applicable). Publications were found based on this search. The evidence from the literature, in combination with allele frequency data from public databases where available, was sufficient to determine this variant is unlikely to cause disease. Therefore, this variant is classified as likely benign.

Breakthrough Genomics
Classification: Likely benign. Review status: criteria provided, single submitter. Criteria: ACMG Guidelines, 2015. Collection method: not provided. Allele origin: germline. Inheritance: Unknown mechanism. Affected: yes.

PreventionGenetics, part of Exact Sciences
Classification: Benign for F11-related condition. Last evaluated: 2020-02-18. Review status: no assertion criteria provided. Collection method: clinical testing. Allele origin: germline. Not counted in ClinVar's aggregate classification.
Comment: This variant is classified as benign based on ACMG/AMP sequence variant interpretation guidelines (Richards et al. 2015 PMID: 25741868, with internal and published modifications).

Literature cited by the submitters: PubMed 11895778 (cited by Mayo Clinic Laboratories, Mayo Clinic and Illumina Laboratory Services, Illumina); PubMed 35059554 (cited by Mayo Clinic Laboratories, Mayo Clinic); PubMed 18024374 (cited by Illumina Laboratory Services, Illumina).

NM_000128.4(F11):c.1016G>T (p.Cys339Phe)

Gene: F11 (coagulation factor XI; plus strand). Cytogenetic location: 4q35.2.
Variant type: single nucleotide variant.
Coding change: c.1016G>T on transcript NM_000128.4 (MANE Select); coding-DNA position 1016, G replaced by T.
Protein change: p.Cys339Phe; replaces cysteine 339 with phenylalanine.
Molecular consequence: missense variant.
Genome position (GRCh38, 1-based): chr4:186,280,373, G>T. VCF-style: chr4-186280373-G-T. GRCh37 (hg19) VCF-style: chr4-187201527-G-T.
Other names: short protein forms C339F.
Identifiers: ClinVar variation 348375 (VCV000348375.19), dbSNP rs5967, ClinGen allele CA3163834.